The following is an entry in ClinVar:

ClinVar aggregate classification (germline): Uncertain significance. Review status: criteria provided, multiple submitters, no conflicts (2 of 4 stars). 2 submissions from 2 submitters: Uncertain significance (2). Last evaluated 2025-11-28.

Conditions:
Inborn genetic diseases. Identifiers: MedGen C0950123, MeSH D030342.
Genitopatellar syndrome (GTPTS). Also called: Genitopatellar syndrome (GPS); ABSENT PATELLAE, SCROTAL HYPOPLASIA, RENAL ANOMALIES, FACIAL DYSMORPHISM, AND MENTAL RETARDATION. Identifiers: Orphanet 85201, MedGen C1853566, MONDO:0011640, OMIM 606170.

Allele frequency attached by ClinVar (database versions not stated): ExAC 0.00001; gnomAD exomes 0.00001; TOPMed 0.00002.
gnomAD v4.1: 21 of 1,614,254 alleles (0.0013%); highest among the groups gnomAD compares: Non-Finnish European, 0.0016%; no homozygotes.

Submissions (2):

Labcorp Genetics (formerly Invitae), Labcorp
Classification: Uncertain significance for Genitopatellar syndrome. Last evaluated: 2025-11-28. Review status: criteria provided, single submitter. Criteria: Invitae Variant Classification Sherloc (09022015). Collection method: clinical testing. Allele origin: germline.
Comment: This sequence change replaces histidine, which is basic and polar, with asparagine, which is neutral and polar, at codon 1836 of the KAT6B protein (p.His1836Asn). This variant is present in population databases (rs764085512, gnomAD 0.007%). This variant has not been reported in the literature in individuals affected with KAT6B-related conditions. ClinVar contains an entry for this variant (Variation ID: 2714534). An algorithm developed to predict the effect of missense changes on protein structure and function (PolyPhen-2) suggests that this variant is likely to be disruptive. In summary, the available evidence is currently insufficient to determine the role of this variant in disease. Therefore, it has been classified as a Variant of Uncertain Significance.

Ambry Genetics
Classification: Uncertain significance for Inborn genetic diseases. Last evaluated: 2025-08-12. Review status: criteria provided, single submitter. Criteria: Ambry Variant Classification Scheme 2023. Collection method: clinical testing. Allele origin: germline.

NM_012330.4(KAT6B):c.5506C>A (p.His1836Asn)

Gene: KAT6B (lysine acetyltransferase 6B; plus strand). Cytogenetic location: 10q22.2.
Variant type: single nucleotide variant.
Coding change: c.5506C>A on transcript NM_012330.4 (MANE Select); coding-DNA position 5506, C replaced by A.
Protein change: p.His1836Asn; replaces histidine 1836 with asparagine.
Molecular consequence: missense variant.
Genome position (GRCh38, 1-based): chr10:75,030,330, C>A. VCF-style: chr10-75030330-C-A. GRCh37 (hg19) VCF-style: chr10-76790088-C-A.
Other names: c.5506C>A (NM_012330.2); c.4957C>A, p.His1653Asn (NM_001256468.2, NM_001370138.1); c.4630C>A, p.His1544Asn (NM_001256469.2, NM_001370142.1, NM_001370139.1 and 2 more transcripts); c.4441C>A, p.His1481Asn (NM_001370143.1, NM_001370144.1); c.4468C>A, p.His1490Asn (NM_001370132.1); c.3817C>A, p.His1273Asn (NM_001370133.1); c.3421C>A, p.His1141Asn (NM_001370134.1); c.3163C>A, p.His1055Asn (NM_001370135.1); and 1 more; short protein forms H1273N, H1055N, H1544N, H1653N, H1490N, H1141N, H1481N, H1836N.
Identifiers: ClinVar variation 2714534 (VCV002714534.4), dbSNP rs764085512, ClinGen allele CA5565211.